The following is an entry in ClinVar:

NM_198965.2(PTHLH):c.271C>T (p.His91Tyr)

Gene: PTHLH (parathyroid hormone like hormone; minus strand). Cytogenetic location: 12p11.22.
Variant type: single nucleotide variant.
Coding change: c.271C>T on transcript NM_198965.2 (MANE Select); coding-DNA position 271, C replaced by T.
Protein change: p.His91Tyr; replaces histidine 91 with tyrosine.
Molecular consequence: missense variant.
Genome position (GRCh38, 1-based): chr12:27,963,601, G>A on the plus strand (C>T on the coding strand, the complement: PTHLH is on the minus strand). VCF-style: chr12-27963601-G-A. GRCh37 (hg19) VCF-style: chr12-28116534-G-A.
Other names: c.271C>T, p.His91Tyr (NM_002820.3, NM_198964.2, NM_198966.2); short protein forms H91Y.
Identifiers: ClinVar variation 1405380 (VCV001405380.6), dbSNP rs780046816, ClinGen allele CA6494937.

ClinVar aggregate classification (germline): Uncertain significance (1 of 4 stars; one submission).

Allele frequency attached by ClinVar (database versions not stated): gnomAD exomes below 0.00001 and 0.00001; ExAC 0.00001; TOPMed 0.00001.
gnomAD v4.1: 5 of 1,614,126 alleles (0.00031%); highest among the groups gnomAD compares: Middle Eastern, 0.016%; no homozygotes.

Submission:

Labcorp Genetics (formerly Invitae), Labcorp
Classification: Uncertain significance. Last evaluated: 2024-11-04. Review status: criteria provided, single submitter. Criteria: Invitae Variant Classification Sherloc (09022015). Collection method: clinical testing. Allele origin: germline.
Comment: This sequence change replaces histidine, which is basic and polar, with tyrosine, which is neutral and polar, at codon 91 of the PTHLH protein (p.His91Tyr). This variant is present in population databases (rs780046816, gnomAD 0.0009%). This variant has not been reported in the literature in individuals affected with PTHLH-related conditions. ClinVar contains an entry for this variant (Variation ID: 1405380). An algorithm developed to predict the effect of missense changes on protein structure and function outputs the following: PolyPhen-2: "Benign". The tyrosine amino acid residue is found in multiple mammalian species, which suggests that this missense change does not adversely affect protein function. In summary, the available evidence is currently insufficient to determine the role of this variant in disease. Therefore, it has been classified as a Variant of Uncertain Significance.